The following is an entry in ClinVar:

NM_000116.5(TAFAZZIN):c.647-2_649delinsTCCTGCACAG

Gene: TAFAZZIN (tafazzin, phospholipid-lysophospholipid transacylase; plus strand). Cytogenetic location: Xq28.
Variant type: Indel.
Coding change: c.647-2_649delinsTCCTGCACAG on transcript NM_000116.5 (MANE Select); the canonical splice acceptor site of the intron before coding-DNA position 647 through coding-DNA position 649, AGGAA replaced by TCCTGCACAG.
Molecular consequence: splice acceptor variant.
Genome position (GRCh38, 1-based): chrX:154,420,210-154,420,214, AGGAA replaced by TCCTGCACAG. VCF-style: chrX-154420210-AGGAA-TCCTGCACAG. GRCh37 (hg19) VCF-style: chrX-153648549-AGGAA-TCCTGCACAG.
Other names: c.659-2_661delinsTCCTGCACAG (NM_001303465.2); c.611-2_613delinsTCCTGCACAG (NM_001410698.1); c.605-2_607delinsTCCTGCACAG (NM_181312.4); c.557-2_559delinsTCCTGCACAG (NM_181311.4); c.515-2_517delinsTCCTGCACAG (NM_181313.4).
Identifiers: ClinVar variation 3774959 (VCV003774959.1).

ClinVar aggregate classification (germline): Pathogenic (1 of 4 stars; one submission).

Submission:

GeneDx
Classification: Pathogenic. Last evaluated: 2024-09-27. Review status: criteria provided, single submitter. Criteria: GeneDx Variant Classification Process June 2021. Collection method: clinical testing. Allele origin: germline. Affected: yes.
Comment: Has not been previously published as pathogenic or benign to our knowledge; Not observed at significant frequency in large population cohorts (gnomAD); Canonical splice site variant predicted to result in a null allele in a gene for which loss of function is a known mechanism of disease